The following is an entry in ClinVar:

ClinVar aggregate classification (germline): Uncertain significance (1 of 4 stars; one submission).

Conditions:
Cardiovascular phenotype. Identifiers: MedGen CN230736.

gnomAD v4.1: 1 of 1,614,102 alleles (0.000062%); highest among the groups gnomAD compares: Non-Finnish European, 0.000085%; no homozygotes.

Submission:

Ambry Genetics
Classification: Uncertain significance for Cardiovascular phenotype. Last evaluated: 2024-03-21. Review status: criteria provided, single submitter. Criteria: Ambry Variant Classification Scheme 2023. Collection method: clinical testing. Allele origin: germline.
Comment: The p.R1141G variant (also known as c.3421C>G), located in coding exon 30 of the ANK2 gene, results from a C to G substitution at nucleotide position 3421. The arginine at codon 1141 is replaced by glycine, an amino acid with dissimilar properties. This amino acid position is conserved. In addition, this alteration is predicted to be deleterious by in silico analysis. Based on the available evidence, the clinical significance of this alteration remains unclear.

NM_001148.6(ANK2):c.3421C>G (p.Arg1141Gly)

Gene: ANK2 (ankyrin 2; plus strand). Cytogenetic location: 4q26.
Variant type: single nucleotide variant.
Coding change: c.3421C>G on transcript NM_001148.6 (MANE Select); coding-DNA position 3421, C replaced by G.
Protein change: p.Arg1141Gly; replaces arginine 1141 with glycine.
Molecular consequence: missense variant.
Genome position (GRCh38, 1-based): chr4:113,335,887, C>G. VCF-style: chr4-113335887-C-G. GRCh37 (hg19) VCF-style: chr4-114257043-C-G.
Other names: c.3394C>G, p.Arg1132Gly (NM_001127493.3); c.3433C>G, p.Arg1145Gly (NM_001354225.2); c.3322C>G, p.Arg1108Gly (NM_001354228.2, NM_001354258.2); c.3400C>G, p.Arg1134Gly (NM_001354230.2); c.3463C>G, p.Arg1155Gly (NM_001354231.2, NM_001354242.2); c.3457C>G, p.Arg1153Gly (NM_001354232.2); c.3418C>G, p.Arg1140Gly (NM_001354235.2, NM_001354246.2, NM_001354265.2); c.3319C>G, p.Arg1107Gly (NM_001354236.2); and 30 more; short protein forms R1066G, R1070G, R1079G, R1089G, R1119G, R1120G, R1124G, R1134G.
Identifiers: ClinVar variation 3294731 (VCV003294731.1).